The following is an entry in ClinVar:

NM_025179.4(PLXNA2):c.3399C>G (p.Asn1133Lys)

Gene: PLXNA2 (plexin A2; minus strand). Cytogenetic location: 1q32.2.
Variant type: single nucleotide variant.
Coding change: c.3399C>G on transcript NM_025179.4 (MANE Select); coding-DNA position 3399, C replaced by G.
Protein change: p.Asn1133Lys; replaces asparagine 1133 with lysine.
Molecular consequence: missense variant.
Genome position (GRCh38, 1-based): chr1:208,045,974, G>C on the plus strand (C>G on the coding strand, the complement: PLXNA2 is on the minus strand). VCF-style: chr1-208045974-G-C. GRCh37 (hg19) VCF-style: chr1-208219319-G-C.
Other names: short protein forms N1133K.
Identifiers: ClinVar variation 4997292 (VCV004997292.1).

ClinVar aggregate classification (germline): Uncertain significance (1 of 4 stars; one submission).

Conditions:
PLXNA2-related disorder. Also called: PLXNA2-related condition.

Submission:

PreventionGenetics, part of Exact Sciences
Classification: Uncertain significance for PLXNA2-related condition. Last evaluated: 2025-05-29. Review status: criteria provided, single submitter. Criteria: ACMG Guidelines, 2015. Collection method: clinical testing. Allele origin: germline.
Comment: The PLXNA2 c.3399C>G variant is predicted to result in the amino acid substitution p.Asn1133Lys. To our knowledge, this variant has not been reported in the literature or in a large population database (gnomAD), indicating this variant is rare. At this time, the clinical significance of this variant is uncertain due to the absence of conclusive functional and genetic evidence.